The following is an entry in ClinVar:

NM_006096.4(NDRG1):c.100-6C>T

Gene: NDRG1 (N-myc downstream regulated 1; minus strand). Cytogenetic location: 8q24.22.
Variant type: single nucleotide variant.
Coding change: c.100-6C>T on transcript NM_006096.4 (MANE Select); 6 bases into the intron before coding-DNA position 100, C replaced by T.
Molecular consequence: intron variant.
Genome position (GRCh38, 1-based): chr8:133,264,658, G>A on the plus strand (C>T on the coding strand, the complement: NDRG1 is on the minus strand). VCF-style: chr8-133264658-G-A. GRCh37 (hg19) VCF-style: chr8-134276901-G-A.
Other names: c.-99-6C>T (NM_001258432.2, NM_001374847.1); c.-38-2491C>T (NM_001258433.2); c.100-6C>T (NM_001374844.1, NM_001135242.2, NM_001374845.1 and 1 more transcripts).
Identifiers: ClinVar variation 754629 (VCV000754629.11), dbSNP rs1586451965, ClinGen allele CA915948710.
Genomic context (GRCh38, chr8:133,264,658, plus strand): 5'-GAGTCCCACACAGCGTGACGTGAACAGAGCCATGTAAAGTCTCGATGTCCTGCTCCTGAG[G>A]AGACACAGCAGACAGTGGGCTGGTCATGTGGGGTTCATGGCATCCGCGTGGCTGAAGACA-3'

ClinVar aggregate classification (germline): Likely benign. Review status: criteria provided, multiple submitters, no conflicts (2 of 4 stars). 2 submissions from 2 submitters: Likely benign (2). Last evaluated 2025-10-02.

Conditions:
NDRG1-related disorder. Also called: NDRG1-related condition.
Charcot-Marie-Tooth disease type 4. Also called: Charcot-Marie-Tooth, Type 4; Charcot-Marie-Tooth disease, type IV. Identifiers: Orphanet 64749, MedGen C4082197, MONDO:0018995.

Submissions (2):

PreventionGenetics, part of Exact Sciences
Classification: Likely benign for NDRG1-related condition. Last evaluated: 2025-10-02. Review status: criteria provided, single submitter. Criteria: ACMG Guidelines, 2015. Collection method: clinical testing. Allele origin: germline.
Comment: This variant is classified as likely benign based on ACMG/AMP sequence variant interpretation guidelines (Richards et al. 2015 PMID: 25741868, with internal and published modifications).

Labcorp Genetics (formerly Invitae), Labcorp
Classification: Likely benign for Charcot-Marie-Tooth disease type 4. Last evaluated: 2018-09-26. Review status: criteria provided, single submitter. Criteria: Invitae Variant Classification Sherloc (09022015). Collection method: clinical testing. Allele origin: germline.